The following is an entry in ClinVar:

NM_173728.4(ARHGEF15):c.925A>T (p.Ile309Phe)

Gene: ARHGEF15 (Rho guanine nucleotide exchange factor 15; plus strand). Cytogenetic location: 17p13.1.
Variant type: single nucleotide variant.
Coding change: c.925A>T on transcript NM_173728.4 (MANE Select); coding-DNA position 925, A replaced by T.
Protein change: p.Ile309Phe; replaces isoleucine 309 with phenylalanine.
Molecular consequence: missense variant.
Genome position (GRCh38, 1-based): chr17:8,313,245, A>T. VCF-style: chr17-8313245-A-T. GRCh37 (hg19) VCF-style: chr17-8216563-A-T.
Other names: c.925A>T, p.Ile309Phe (NM_025014.2); short protein forms I309F.
Identifiers: ClinVar variation 2811602 (VCV002811602.3), dbSNP rs2543930507, ClinGen allele CA398018115.

ClinVar aggregate classification (germline): Uncertain significance (1 of 4 stars; one submission).

Conditions:
Early-infantile DEE. Also called: Early infantile epileptic encephalopathy; Early infantile epileptic encephalopathy with suppression bursts; Ohtahara syndrome. Identifiers: Orphanet 1934, MedGen C0393706, MONDO:0800491.

Submission:

Labcorp Genetics (formerly Invitae), Labcorp
Classification: Uncertain significance for Early-infantile DEE. Last evaluated: 2024-05-29. Review status: criteria provided, single submitter. Criteria: Invitae Variant Classification Sherloc (09022015). Collection method: clinical testing. Allele origin: germline.
Comment: This sequence change replaces isoleucine, which is neutral and non-polar, with phenylalanine, which is neutral and non-polar, at codon 309 of the ARHGEF15 protein (p.Ile309Phe). This variant is not present in population databases (gnomAD no frequency). This variant has not been reported in the literature in individuals affected with ARHGEF15-related conditions. An algorithm developed to predict the effect of missense changes on protein structure and function (PolyPhen-2) suggests that this variant is likely to be tolerated. In summary, the available evidence is currently insufficient to determine the role of this variant in disease. Therefore, it has been classified as a Variant of Uncertain Significance.